The following is an entry in ClinVar:

ClinVar aggregate classification (germline): Uncertain significance (1 of 4 stars; one submission).

Conditions:
POLD1-related polyposis and colorectal cancer syndrome (CRCS10). Also called: Colorectal cancer, susceptibility to, 10; Colorectal cancer 10; COLORECTAL CANCER, SUSCEPTIBILITY TO, ON CHROMOSOME 19q. Identifiers: Orphanet 220460, MedGen C2675481, MONDO:0012953, OMIM 612591.

Submission:

Labcorp Genetics (formerly Invitae), Labcorp
Classification: Uncertain significance for POLD1-related polyposis and colorectal cancer syndrome. Last evaluated: 2022-06-15. Review status: criteria provided, single submitter. Criteria: Invitae Variant Classification Sherloc (09022015). Collection method: clinical testing. Allele origin: germline.
Comment: In summary, the available evidence is currently insufficient to determine the role of this variant in disease. Therefore, it has been classified as a Variant of Uncertain Significance. Algorithms developed to predict the effect of missense changes on protein structure and function (SIFT, PolyPhen-2, Align-GVGD) all suggest that this variant is likely to be disruptive. This variant has not been reported in the literature in individuals affected with POLD1-related conditions. This variant is not present in population databases (gnomAD no frequency). This sequence change replaces tyrosine, which is neutral and polar, with cysteine, which is neutral and slightly polar, at codon 594 of the POLD1 protein (p.Tyr594Cys).

NM_002691.4(POLD1):c.1781A>G (p.Tyr594Cys)

Gene: POLD1 (DNA polymerase delta 1, catalytic subunit; plus strand). Cytogenetic location: 19q13.33.
Variant type: single nucleotide variant.
Coding change: c.1781A>G on transcript NM_002691.4 (MANE Select); coding-DNA position 1781, A replaced by G.
Protein change: p.Tyr594Cys; replaces tyrosine 594 with cysteine.
Molecular consequence: missense variant. On other transcripts: non-coding transcript variant (1).
Genome position (GRCh38, 1-based): chr19:50,408,790, A>G. VCF-style: chr19-50408790-A-G. GRCh37 (hg19) VCF-style: chr19-50912047-A-G.
Other names: c.1781A>G, p.Tyr594Cys (NM_001256849.1); c.1859A>G, p.Tyr620Cys (NM_001308632.1); short protein forms Y594C, Y620C.
Identifiers: ClinVar variation 2188538 (VCV002188538.4), dbSNP rs2122365963, ClinGen allele CA406981940.